The following is an entry in ClinVar:

NM_000256.3(MYBPC3):c.3616_3617delinsAA (p.Gly1206Asn)

Gene: MYBPC3 (myosin binding protein C3; minus strand). Cytogenetic location: 11p11.2.
Variant type: Indel.
Coding change: c.3616_3617delinsAA on transcript NM_000256.3 (MANE Select); coding-DNA positions 3616 to 3617, GG replaced by AA.
Protein change: p.Gly1206Asn; replaces glycine 1206 with asparagine.
Molecular consequence: missense variant.
Genome position (GRCh38, 1-based): chr11:47,332,576-47,332,577, CC replaced by TT on the plus strand (GG replaced by AA on the coding strand, the reverse complement: MYBPC3 is on the minus strand). VCF-style: chr11-47332576-CC-TT. GRCh37 (hg19) VCF-style: chr11-47354127-CC-TT.
Other names: short protein forms G1206N.
Identifiers: ClinVar variation 1721861 (VCV001721861.5), dbSNP rs2495737788, ClinGen allele CA2580084194.

ClinVar aggregate classification (germline): Uncertain significance (1 of 4 stars; one submission).

Conditions:
Hypertrophic cardiomyopathy. Also called: HYPERTROPHIC MYOCARDIOPATHY. Identifiers: Orphanet 217569, MedGen C0007194, MeSH D002312, MONDO:0005045, HP:0001639.

Submission:

Labcorp Genetics (formerly Invitae), Labcorp
Classification: Uncertain significance for Hypertrophic cardiomyopathy. Last evaluated: 2022-10-19. Review status: criteria provided, single submitter. Criteria: Invitae Variant Classification Sherloc (09022015). Collection method: clinical testing. Allele origin: germline.
Comment: In summary, the available evidence is currently insufficient to determine the role of this variant in disease. Therefore, it has been classified as a Variant of Uncertain Significance. Algorithms developed to predict the effect of missense changes on protein structure and function are either unavailable or do not agree on the potential impact of this missense change (SIFT: "Not Available"; PolyPhen-2: "Probably Damaging"; Align-GVGD: "Not Available"). This variant has not been reported in the literature in individuals affected with MYBPC3-related conditions. Information on the frequency of this variant in the gnomAD database is not available, as this variant may be reported differently in the database. This sequence change replaces glycine, which is neutral and non-polar, with asparagine, which is neutral and polar, at codon 1206 of the MYBPC3 protein (p.Gly1206Asn).